The following is an entry in ClinVar:

NM_014049.5(ACAD9):c.1563+129T>G

Gene: ACAD9 (acyl-CoA dehydrogenase family member 9; plus strand). Cytogenetic location: 3q21.3.
Variant type: single nucleotide variant.
Coding change: c.1563+129T>G on transcript NM_014049.5 (MANE Select); 129 bases into the intron after coding-DNA position 1563, T replaced by G.
Molecular consequence: intron variant.
Genome position (GRCh38, 1-based): chr3:128,909,550, T>G. VCF-style: chr3-128909550-T-G. GRCh37 (hg19) VCF-style: chr3-128628393-T-G.
Identifiers: ClinVar variation 674587 (VCV000674587.2), dbSNP rs72973231, ClinGen allele CA82537807.

ClinVar aggregate classification (germline): Benign. Review status: criteria provided, multiple submitters, no conflicts (2 of 4 stars). 2 submissions from 2 submitters: Benign (2). Last evaluated 2018-06-16.

Allele frequency attached by ClinVar (database versions not stated): TOPMed 0.07505; 1000 Genomes Project 0.08027; 1000 Genomes Project 30x 0.08385.

Submissions (2):

GeneDx
Classification: Benign. Last evaluated: 2018-06-16. Review status: criteria provided, single submitter. Criteria: GeneDx Variant Classification (06012015). Collection method: clinical testing. Allele origin: germline. Affected: yes.
Comment: This variant is considered likely benign or benign based on one or more of the following criteria: it is a conservative change, it occurs at a poorly conserved position in the protein, it is predicted to be benign by multiple in silico algorithms, and/or has population frequency not consistent with disease.

Breakthrough Genomics
Classification: Benign. Review status: criteria provided, single submitter. Criteria: ACMG Guidelines, 2015. Collection method: not provided. Allele origin: germline. Inheritance: Autosomal recessive inheritance. Affected: yes.